The following is an entry in ClinVar:

NM_005502.4(ABCA1):c.1769G>A (p.Trp590Ter)

Gene: ABCA1 (ATP binding cassette subfamily A member 1; minus strand). Cytogenetic location: 9q31.1.
Variant type: single nucleotide variant.
Coding change: c.1769G>A on transcript NM_005502.4 (MANE Select); coding-DNA position 1769, G replaced by A.
Protein change: p.Trp590Ter; replaces tryptophan 590 with a stop codon.
Molecular consequence: nonsense.
Genome position (GRCh38, 1-based): chr9:104,831,048, C>T on the plus strand (G>A on the coding strand, the complement: ABCA1 is on the minus strand). VCF-style: chr9-104831048-C-T. GRCh37 (hg19) VCF-style: chr9-107593329-C-T.
Other names: short protein forms W590*.
Identifiers: ClinVar variation 3618082 (VCV003618082.2).

ClinVar aggregate classification (germline): Pathogenic (1 of 4 stars; one submission).

gnomAD v4.1: 4 of 1,613,732 alleles (0.00025%); highest among the groups gnomAD compares: Non-Finnish European, 0.00034%; no homozygotes.

Submission:

Labcorp Genetics (formerly Invitae), Labcorp
Classification: Pathogenic. Last evaluated: 2024-09-12. Review status: criteria provided, single submitter. Criteria: Invitae Variant Classification Sherloc (09022015). Collection method: clinical testing. Allele origin: germline.
Comment: This sequence change creates a premature translational stop signal (p.Trp590*) in the ABCA1 gene. It is expected to result in an absent or disrupted protein product. Loss-of-function variants in ABCA1 are known to be pathogenic (PMID: 10525055, 10760292, 20880529). This variant is not present in population databases (gnomAD no frequency). This premature translational stop signal has been observed in individual(s) with clinical features of ABCA1-related conditions (PMID: 35460704). For these reasons, this variant has been classified as Pathogenic.

Literature cited by the submitters: PubMed 10525055; PubMed 10760292; PubMed 20880529; PubMed 35460704.